The following is an entry in ClinVar:

ClinVar aggregate classification (germline): Uncertain significance. Review status: criteria provided, multiple submitters, no conflicts (2 of 4 stars). 3 submissions from 3 submitters: Uncertain significance (3). Last evaluated 2025-09-02.

Conditions:
Alstrom syndrome (ALMS). Identifiers: Orphanet 64, MedGen C0268425, MONDO:0008763, OMIM 203800.
Cardiovascular phenotype. Identifiers: MedGen CN230736.

Allele frequency attached by ClinVar (database versions not stated): gnomAD exomes below 0.00001 and 0.00001; TOPMed 0.00001; ExAC 0.00002.
gnomAD v4.1: 4 of 1,613,684 alleles (0.00025%); highest among the groups gnomAD compares: Admixed American, 0.005%; no homozygotes.

Submissions (3):

Ambry Genetics
Classification: Uncertain significance for Cardiovascular phenotype. Last evaluated: 2025-09-02. Review status: criteria provided, single submitter. Criteria: Ambry Variant Classification Scheme 2023. Collection method: clinical testing. Allele origin: germline.
Comment: The p.V2484M variant (also known as c.7450G>A), located in coding exon 8 of the ALMS1 gene, results from a G to A substitution at nucleotide position 7450. The valine at codon 2484 is replaced by methionine, an amino acid with highly similar properties. This amino acid position is highly conserved in available vertebrate species. In addition, the in silico prediction for this alteration is inconclusive. Based on the available evidence, the clinical significance of this variant remains unclear.

GeneDx
Classification: Uncertain significance. Last evaluated: 2024-10-24. Review status: criteria provided, single submitter. Criteria: GeneDx Variant Classification Process June 2021. Collection method: clinical testing. Allele origin: germline. Affected: yes.
Comment: Not observed at significant frequency in large population cohorts (gnomAD); In silico analysis supports that this missense variant has a deleterious effect on protein structure/function; Has not been previously published as pathogenic or benign to our knowledge

Labcorp Genetics (formerly Invitae), Labcorp
Classification: Uncertain significance for Alstrom syndrome. Last evaluated: 2022-03-25. Review status: criteria provided, single submitter. Criteria: Invitae Variant Classification Sherloc (09022015). Collection method: clinical testing. Allele origin: germline.
Comment: This sequence change replaces valine, which is neutral and non-polar, with methionine, which is neutral and non-polar, at codon 2484 of the ALMS1 protein (p.Val2484Met). This variant is present in population databases (rs754242152, gnomAD 0.003%). This variant has not been reported in the literature in individuals affected with ALMS1-related conditions. ClinVar contains an entry for this variant (Variation ID: 1041622). Experimental studies and prediction algorithms are not available or were not evaluated, and the functional significance of this variant is currently unknown. In summary, the available evidence is currently insufficient to determine the role of this variant in disease. Therefore, it has been classified as a Variant of Uncertain Significance.

NM_001378454.1(ALMS1):c.7447G>A (p.Val2483Met)

Gene: ALMS1 (ALMS1 centrosome and basal body associated protein; plus strand). Cytogenetic location: 2p13.1.
Variant type: single nucleotide variant.
Coding change: c.7447G>A on transcript NM_001378454.1 (MANE Select); coding-DNA position 7447, G replaced by A.
Protein change: p.Val2483Met; replaces valine 2483 with methionine.
Molecular consequence: missense variant.
Genome position (GRCh38, 1-based): chr2:73,453,974, G>A. VCF-style: chr2-73453974-G-A. GRCh37 (hg19) VCF-style: chr2-73681101-G-A.
Other names: c.7450G>A, p.Val2484Met (NM_015120.4); short protein forms V2484M, V2483M.
Identifiers: ClinVar variation 1041622 (VCV001041622.8), dbSNP rs754242152, ClinGen allele CA1714235.
Genomic context (GRCh38, chr2:73,453,974, plus strand): 5'-GAGGGTGTGTCAGAGAGTGAGGATGGTGGTGGTAGCAGTGTAGATTCACTGGCTGCACAT[G>A]TGAAAAACCTTCTGCAATGTGAATCCTCACTGAATCATGCTAAAGAAATACTCAGAAATG-3'
Protein context (NP_001365383.1, residues 2473-2493): GSSVDSLAAH[Val2483Met]KNLLQCESSL